The following is an entry in ClinVar:

NM_000051.4(ATM):c.2994G>A (p.Val998=)

Gene: ATM (ATM serine/threonine kinase; plus strand). Cytogenetic location: 11q22.3.
Variant type: single nucleotide variant.
Coding change: c.2994G>A on transcript NM_000051.4 (MANE Select); coding-DNA position 2994, G replaced by A.
Protein change: p.Val998=; no amino-acid change (valine 998 retained).
Molecular consequence: synonymous variant.
Genome position (GRCh38, 1-based): chr11:108,271,323, G>A. VCF-style: chr11-108271323-G-A. GRCh37 (hg19) VCF-style: chr11-108142050-G-A.
Other names: c.2994G>A, p.Val998= (NM_001351834.2).
Identifiers: ClinVar variation 478978 (VCV000478978.19), dbSNP rs1555085118, ClinGen allele CA476674307.

ClinVar aggregate classification (germline): Benign/Likely benign. Review status: criteria provided, multiple submitters, no conflicts (2 of 4 stars). 5 submissions from 5 submitters: Benign (1); Likely benign (4). Last evaluated 2025-08-11.

Conditions:
Hereditary cancer-predisposing syndrome. Also called: Tumor predisposition; Neoplastic Syndromes, Hereditary; Hereditary Cancer Syndrome; Hereditary neoplastic syndrome. Identifiers: Orphanet 140162, MedGen C0027672, MeSH D009386, MONDO:0015356.
Familial cancer of breast. Also called: BREAST CANCER, FAMILIAL; Hereditary breast cancer; hereditary breast carcinoma. Identifiers: Orphanet 227535, MedGen C0346153, MONDO:0016419, OMIM 114480. Disease mechanism: loss of function.
Ataxia-telangiectasia syndrome (AT). Also called: Cerebello-oculocutaneous telangiectasia; Immunodeficiency with ataxia telangiectasia; ATAXIA-TELANGIECTASIA, COMPLEMENTATION GROUP A; Ataxia-telangiectasia, complementation group D; AT, COMPLEMENTATION GROUP C; ATAXIA-TELANGIECTASIA, FRESNO VARIANT. Identifiers: Orphanet 100, MedGen C0004135, MONDO:0008840, OMIM 208900.

Allele frequency attached by ClinVar (database versions not stated): gnomAD exomes below 0.00001.
gnomAD v4.1: 2 of 1,613,628 alleles (0.00012%); highest among the groups gnomAD compares: Non-Finnish European, 0.00017%; no homozygotes.

Submissions (5):

Labcorp Genetics (formerly Invitae), Labcorp
Classification: Likely benign for Ataxia-telangiectasia syndrome. Last evaluated: 2025-08-11. Review status: criteria provided, single submitter. Criteria: Invitae Variant Classification Sherloc (09022015). Collection method: clinical testing. Allele origin: germline.

Myriad Genetics, Inc.
Classification: Benign for Familial cancer of breast. Last evaluated: 2024-05-13. Review status: criteria provided, single submitter. Criteria: Myriad Autosomal Dominant, Autosomal Recessive and X-Linked Classification Criteria (2023). Collection method: clinical testing. Allele origin: unknown.
Comment: This variant is considered benign. This variant is a silent/synonymous amino acid change and it is not expected to impact splicing.

Color Diagnostics, LLC DBA Color Health
Classification: Likely benign for Hereditary cancer-predisposing syndrome. Last evaluated: 2017-12-05. Review status: criteria provided, single submitter. Criteria: ACMG Guidelines, 2015. Collection method: clinical testing. Allele origin: germline.

GeneDx
Classification: Likely benign. Last evaluated: 2017-04-11. Review status: criteria provided, single submitter. Criteria: GeneDx Variant Classification (06012015). Collection method: clinical testing. Allele origin: germline. Affected: yes.
Comment: This variant is considered likely benign or benign based on one or more of the following criteria: it is a conservative change, it occurs at a poorly conserved position in the protein, it is predicted to be benign by multiple in silico algorithms, and/or has population frequency not consistent with disease.

Ambry Genetics
Classification: Likely benign for Hereditary cancer-predisposing syndrome. Last evaluated: 2016-04-28. Review status: criteria provided, single submitter. Criteria: Ambry Variant Classification Scheme 2023. Collection method: clinical testing. Allele origin: germline.